The following is an entry in ClinVar:

ClinVar aggregate classification (germline): Uncertain significance (1 of 4 stars; one submission).

Submission:

Dasa
Classification: Uncertain significance. Last evaluated: 2024-09-05. Review status: criteria provided, single submitter. Criteria: DASA Assertion Criteria. Collection method: clinical testing. Allele origin: germline.
Comment: NM_007118.4(TRIO):c.3552G>C (p.Glu1184Asp) is a missense variant that results in the substitution of glutamic acid with aspartic acid. This variant is absent from population databases. Computational prediction algorithms are consistent with a benign effect. The currently available literature and clinical evidence are not sufficient to establish a definitive association between this variant and the reported condition. Therefore, this variant is classified as a variant of uncertain significance.

NM_007118.4(TRIO):c.3552G>C (p.Glu1184Asp)

Gene: TRIO (trio Rho guanine nucleotide exchange factor; plus strand). Cytogenetic location: 5p15.2.
Variant type: single nucleotide variant.
Coding change: c.3552G>C on transcript NM_007118.4 (MANE Select); coding-DNA position 3552, G replaced by C.
Protein change: p.Glu1184Asp; replaces glutamic acid 1184 with aspartic acid.
Molecular consequence: missense variant. On other transcripts: non-coding transcript variant (1).
Genome position (GRCh38, 1-based): chr5:14,381,234, G>C. VCF-style: chr5-14381234-G-C. GRCh37 (hg19) VCF-style: chr5-14381343-G-C.
Other names: short protein forms E1184D.
Identifiers: ClinVar variation 4881051 (VCV004881051.2).
Genomic context (GRCh38, chr5:14,381,234, plus strand): 5'-ACACACCTCCACGGGCTCCAGTATACAGCACACCCAGGAGCTCCTGAAAGAGCACGAGGA[G>C]TTCCAGATAACTGCAAAGGTGGGTTCAGAGTGTACTTTGTATAGTGGCCTCTAAGTCGAA-3'
Protein context (NP_009049.2, residues 1174-1194): HTQELLKEHE[Glu1184Asp]FQITAKQTKE